The following is an entry in ClinVar:

NM_001098.3(ACO2):c.1262A>G (p.Glu421Gly)

Gene: ACO2 (aconitase 2; plus strand). Cytogenetic location: 22q13.2.
Variant type: single nucleotide variant.
Coding change: c.1262A>G on transcript NM_001098.3 (MANE Select); coding-DNA position 1262, A replaced by G.
Protein change: p.Glu421Gly; replaces glutamic acid 421 with glycine.
Molecular consequence: missense variant.
Genome position (GRCh38, 1-based): chr22:41,522,953, A>G. VCF-style: chr22-41522953-A-G. GRCh37 (hg19) VCF-style: chr22-41918957-A-G.
Other names: short protein forms E421G.
Identifiers: ClinVar variation 2293846 (VCV002293846.4), dbSNP rs2518229795, ClinGen allele CA411725093.
Genomic context (GRCh38, chr22:41,522,953, plus strand): 5'-AGCAGGCACTGGCCCATGGCCTCAAGTGCAAGTCCCAGTTCACCATCACTCCAGGTTCCG[A>G]GCAGATCCGCGCCACCATTGAGCGGGACGGCTATGTGAGTGCCCATATCCCCCTGCCCAT-3'
Protein context (NP_001089.1, residues 411-431): KSQFTITPGS[Glu421Gly]QIRATIERDG

ClinVar aggregate classification (germline): Uncertain significance. Review status: criteria provided, multiple submitters, no conflicts (2 of 4 stars). 2 submissions from 2 submitters: Uncertain significance (2). Last evaluated 2025-08-16.

Conditions:
Inborn genetic diseases. Identifiers: MedGen C0950123, MeSH D030342.

Submissions (2):

Labcorp Genetics (formerly Invitae), Labcorp
Classification: Uncertain significance. Last evaluated: 2025-08-16. Review status: criteria provided, single submitter. Criteria: Invitae Variant Classification Sherloc (09022015). Collection method: clinical testing. Allele origin: germline.
Comment: This sequence change replaces glutamic acid, which is acidic and polar, with glycine, which is neutral and non-polar, at codon 421 of the ACO2 protein (p.Glu421Gly). This variant is not present in population databases (gnomAD no frequency). This variant has not been reported in the literature in individuals affected with ACO2-related conditions. ClinVar contains an entry for this variant (Variation ID: 2293846). Invitae Evidence Modeling of protein sequence and biophysical properties (such as structural, functional, and spatial information, amino acid conservation, physicochemical variation, residue mobility, and thermodynamic stability) indicates that this missense variant is expected to disrupt ACO2 protein function with a positive predictive value of 80%. In summary, the available evidence is currently insufficient to determine the role of this variant in disease. Therefore, it has been classified as a Variant of Uncertain Significance.

Ambry Genetics
Classification: Uncertain significance for Inborn genetic diseases. Last evaluated: 2022-06-03. Review status: criteria provided, single submitter. Criteria: Ambry Variant Classification Scheme 2023. Collection method: clinical testing. Allele origin: germline.